The following is an entry in ClinVar:

ClinVar aggregate classification (germline): Uncertain significance. Review status: criteria provided, multiple submitters, no conflicts (2 of 4 stars). 2 submissions from 2 submitters: Uncertain significance (2). Last evaluated 2026-01-06.

Conditions:
Hereditary cancer-predisposing syndrome. Also called: Neoplastic Syndromes, Hereditary; Hereditary Cancer Syndrome; Hereditary neoplastic syndrome; Tumor predisposition. Identifiers: Orphanet 140162, MedGen C0027672, MeSH D009386, MONDO:0015356.

Allele frequency attached by ClinVar (database versions not stated): gnomAD exomes below 0.00001; TOPMed below 0.00001.
gnomAD v4.1: 1 of 1,613,674 alleles (0.000062%); highest among the groups gnomAD compares: South Asian, 0.0011%; no homozygotes.

Submissions (2):

Labcorp Genetics (formerly Invitae), Labcorp
Classification: Uncertain significance. Last evaluated: 2026-01-06. Review status: criteria provided, single submitter. Criteria: Invitae Variant Classification Sherloc (09022015). Collection method: clinical testing. Allele origin: germline.
Comment: This sequence change replaces alanine, which is neutral and non-polar, with threonine, which is neutral and polar, at codon 2030 of the POLE protein (p.Ala2030Thr). This variant is not present in population databases (gnomAD no frequency). This variant has not been reported in the literature in individuals affected with POLE-related conditions. ClinVar contains an entry for this variant (Variation ID: 1060555). An algorithm developed to predict the effect of missense changes on protein structure and function (PolyPhen-2) suggests that this variant is likely to be tolerated. In summary, the available evidence is currently insufficient to determine the role of this variant in disease. Therefore, it has been classified as a Variant of Uncertain Significance.

Ambry Genetics
Classification: Uncertain significance for Hereditary cancer-predisposing syndrome. Last evaluated: 2023-03-17. Review status: criteria provided, single submitter. Criteria: Ambry Variant Classification Scheme 2023. Collection method: clinical testing. Allele origin: germline.
Comment: The p.A2030T variant (also known as c.6088G>A), located in coding exon 44 of the POLE gene, results from a G to A substitution at nucleotide position 6088. The alanine at codon 2030 is replaced by threonine, an amino acid with similar properties. This amino acid position is conserved. In addition, this alteration is predicted to be tolerated by in silico analysis. Since supporting evidence is limited at this time, the clinical significance of this alteration remains unclear.

NM_006231.4(POLE):c.6088G>A (p.Ala2030Thr)

Gene: POLE (DNA polymerase epsilon, catalytic subunit; minus strand). Cytogenetic location: 12q24.33.
Variant type: single nucleotide variant.
Coding change: c.6088G>A on transcript NM_006231.4 (MANE Select); coding-DNA position 6088, G replaced by A.
Protein change: p.Ala2030Thr; replaces alanine 2030 with threonine.
Molecular consequence: missense variant.
Genome position (GRCh38, 1-based): chr12:132,632,712, C>T on the plus strand (G>A on the coding strand, the complement: POLE is on the minus strand). VCF-style: chr12-132632712-C-T. GRCh37 (hg19) VCF-style: chr12-133209298-C-T.
Other names: c.6088G>A (NM_006231.2); short protein forms A2030T.
Identifiers: ClinVar variation 1060555 (VCV001060555.10), dbSNP rs1036832006, ClinGen allele CA246293088.